The following is an entry in ClinVar:

NM_001081.4(CUBN):c.1838del (p.Gly613fs)

Gene: CUBN (cubilin; minus strand). Cytogenetic location: 10p13.
Variant type: Deletion.
Coding change: c.1838del on transcript NM_001081.4 (MANE Select); coding-DNA position 1838, one base deleted (G; older notation c.1838delG).
Protein change: p.Gly613fs; shifts the reading frame from glycine 613.
Molecular consequence: frameshift variant.
Genome position (GRCh38, 1-based): chr10:17,088,273, C deleted on the plus strand (G on the coding strand, the reverse complement: CUBN is on the minus strand); the first of 2 consecutive C bases (chr10:17,088,273-17,088,274); deleting either gives the same sequence. VCF-style (leftmost placement, unchanged base first): chr10-17088272-TC-T. GRCh37 (hg19) VCF-style: chr10-17130271-TC-T.
Other names: c.1838delG (NM_001081.3); short protein forms G613fs.
Identifiers: ClinVar variation 56322 (VCV000056322.2), dbSNP rs386833770, ClinGen allele CA144254.
Genomic context (GRCh38, chr10:17,088,272, plus strand): 5'-CCCAAAAGTAAATGTTACCAGGAGGTCAGGACTAGTTACAACAATCCAGACACAATCTCT[TC>T]CTGGGGGATAGTTTCCAGGATACCCCGGAGACTTAATAGAACCGTAAGGACCAGTCAGGA-3'

ClinVar aggregate classification (germline): Likely pathogenic (0 of 4 stars; one submission).

Conditions:
Imerslund-Grasbeck syndrome. Also called: PERNICIOUS ANEMIA, JUVENILE, DUE TO SELECTIVE INTESTINAL MALABSORPTION OF VITAMIN B12, WITH PROTEINURIA; Megaloblastic anemia due to inborn errors of metabolism; Imerslund-Gräsbeck syndrome; ENTEROCYTE COBALAMIN MALABSORPTION; ENTEROCYTE INTRINSIC FACTOR RECEPTOR, DEFECT OF. Identifiers: Orphanet 35858, MedGen C4551825, MONDO:0009853.

Submission:

Juha Muilu Group; Institute for Molecular Medicine Finland (FIMM)
Classification: Likely pathogenic for Megaloblastic anemia due to inborn errors of metabolism. Review status: no assertion criteria provided. Collection method: not provided. Allele origin: unknown.
Comment: FinDis database variant: This variant was not found or characterized by our laboratory, data were collected from public sources: see reference
ClinVar note: Converted during submission from probable-pathogenic to Likely pathogenic.